The following is an entry in ClinVar:

ClinVar aggregate classification (germline): Likely pathogenic (1 of 4 stars; one submission).

Submission:

GeneDx
Classification: Likely pathogenic. Last evaluated: 2017-02-03. Review status: criteria provided, single submitter. Criteria: GeneDx Variant Classification (06012015). Collection method: clinical testing. Allele origin: germline. Affected: yes.
Comment: The c.964+5 G>A nucleotide substitution has not been published as a pathogenic variant, nor has it been reported as a benign polymorphism to our knowledge. Multiple in silico models predict that the c.964+5 G>A substitution damages or even destroys the natural splice donor site at the exon 6/intron 6 junction of the SCN1A gene. Therefore, based on the currently available information, c.964+5 G>A is a strong candidate to be a disease-causing variant.

NM_001165963.4(SCN1A):c.964+5G>A

Gene: SCN1A (sodium voltage-gated channel alpha subunit 1; minus strand). Cytogenetic location: 2q24.3.
Variant type: single nucleotide variant.
Coding change: c.964+5G>A on transcript NM_001165963.4 (MANE Select); 5 bases into the intron after coding-DNA position 964, G replaced by A.
Molecular consequence: intron variant.
Genome position (GRCh38, 1-based): chr2:166,051,714, C>T on the plus strand (G>A on the coding strand, the complement: SCN1A is on the minus strand). VCF-style: chr2-166051714-C-T. GRCh37 (hg19) VCF-style: chr2-166908224-C-T.
Other names: c.964+5G>A (NM_001353949.2, NM_001353958.2, NM_001353950.2 and 10 more transcripts); c.-1462+5G>A (NM_001353961.2).
Identifiers: ClinVar variation 206751 (VCV000206751.2), dbSNP rs796052965, ClinGen allele CA317172.
Genomic context (GRCh38, chr2:166,051,714, plus strand): 5'-ATCCTTTGTGTTACAAACAATCCAATTCTACTTTTTAAGGAAATGTACATAACAATAATT[C>T]TTACTTGAATCTTGAATATATGACTTCCAGTCAAACTCAAAGACAGTTTCATTTATAAGT-3'